The following is an entry in ClinVar:

ClinVar aggregate classification (germline): Uncertain significance (1 of 4 stars; one submission).

Conditions:
Bifunctional peroxisomal enzyme deficiency (DBIF). Also called: DBP DEFICIENCY; D-bifunctional protein deficiency; PBFE DEFICIENCY. Identifiers: Orphanet 300, MedGen C0342870, MONDO:0009855, OMIM 261515. Disease mechanism: loss of function.
Perrault syndrome. Also called: Gonadal dysgenesis with auditory dysfunction, autosomal recessive inheritance. Identifiers: Orphanet 2855, MedGen C0685838, MONDO:0017312.

Submission:

Labcorp Genetics (formerly Invitae), Labcorp
Classification: Uncertain significance for Perrault syndrome; Bifunctional peroxisomal enzyme deficiency. Last evaluated: 2023-10-13. Review status: criteria provided, single submitter. Criteria: Invitae Variant Classification Sherloc (09022015). Collection method: clinical testing. Allele origin: germline.
Comment: This sequence change replaces glutamic acid, which is acidic and polar, with lysine, which is basic and polar, at codon 393 of the HSD17B4 protein (p.Glu393Lys). This variant is not present in population databases (gnomAD no frequency). This variant has not been reported in the literature in individuals affected with HSD17B4-related conditions. ClinVar contains an entry for this variant (Variation ID: 1717271). Advanced modeling of protein sequence and biophysical properties (such as structural, functional, and spatial information, amino acid conservation, physicochemical variation, residue mobility, and thermodynamic stability) performed at Invitae indicates that this missense variant is not expected to disrupt HSD17B4 protein function. In summary, the available evidence is currently insufficient to determine the role of this variant in disease. Therefore, it has been classified as a Variant of Uncertain Significance.

NM_000414.4(HSD17B4):c.1177G>A (p.Glu393Lys)

Gene: HSD17B4 (hydroxysteroid 17-beta dehydrogenase 4; plus strand). Cytogenetic location: 5q23.1.
Variant type: single nucleotide variant.
Coding change: c.1177G>A on transcript NM_000414.4 (MANE Select); coding-DNA position 1177, G replaced by A.
Protein change: p.Glu393Lys; replaces glutamic acid 393 with lysine.
Molecular consequence: missense variant. On other transcripts: non-coding transcript variant (2).
Genome position (GRCh38, 1-based): chr5:119,499,521, G>A. VCF-style: chr5-119499521-G-A. GRCh37 (hg19) VCF-style: chr5-118835216-G-A.
Other names: c.1252G>A, p.Glu418Lys (NM_001199291.3); c.1123G>A, p.Glu375Lys (NM_001199292.2); c.1105G>A, p.Glu369Lys (NM_001292027.2); c.757G>A, p.Glu253Lys (NM_001292028.2); c.1168G>A, p.Glu390Lys (NM_001374497.1); c.1177G>A, p.Glu393Lys (NM_001374498.1); c.850G>A, p.Glu284Lys (NM_001374499.1); c.736G>A, p.Glu246Lys (NM_001374500.1); and 1 more; short protein forms E246K, E253K, E256K, E284K, E369K, E375K, E390K, E393K.
Identifiers: ClinVar variation 1717271 (VCV001717271.5), dbSNP rs2531743812, ClinGen allele CA360868291.